The following is an entry in ClinVar:

ClinVar aggregate classification (germline): Uncertain significance (1 of 4 stars; one submission).

Submission:

Ambry Genetics
Classification: Uncertain significance. Last evaluated: 2026-02-24. Review status: criteria provided, single submitter. Criteria: Ambry Variant Classification Scheme 2023. Collection method: clinical testing. Allele origin: germline.
Comment: The p.N772D variant (also known as c.2314A>G), located in coding exon 13 of the GEN1 gene, results from an A to G substitution at nucleotide position 2314. The asparagine at codon 772 is replaced by aspartic acid, an amino acid with highly similar properties. This amino acid position is conserved. In addition, this alteration is predicted to be tolerated by in silico analysis. Based on the available evidence, the clinical significance of this variant remains unclear.

NM_001130009.3(GEN1):c.2314A>G (p.Asn772Asp)

Gene: GEN1 (GEN1 structure-specific endonuclease; plus strand). Cytogenetic location: 2p24.2.
Variant type: single nucleotide variant.
Coding change: c.2314A>G on transcript NM_001130009.3 (MANE Select); coding-DNA position 2314, A replaced by G.
Protein change: p.Asn772Asp; replaces asparagine 772 with aspartic acid.
Molecular consequence: missense variant.
Genome position (GRCh38, 1-based): chr2:17,781,526, A>G. VCF-style: chr2-17781526-A-G. GRCh37 (hg19) VCF-style: chr2-17962793-A-G.
Other names: c.2314A>G, p.Asn772Asp (NM_182625.5); short protein forms N772D.
Identifiers: ClinVar variation 3519783 (VCV003519783.2).